The following is an entry in ClinVar:

ClinVar aggregate classification (germline): Conflicting classifications of pathogenicity. Review status: criteria provided, conflicting classifications (1 of 4 stars). 2 submissions from 2 submitters: Uncertain significance (1); Likely benign (1). Last evaluated 2025-04-26.

Allele frequency attached by ClinVar (database versions not stated): gnomAD exomes below 0.00001; gnomAD 0.00001; TOPMed 0.00001.
gnomAD v4.1: 3 of 1,611,964 alleles (0.00019%); highest among the groups gnomAD compares: Admixed American, 0.0017%; no homozygotes.

Submissions (2):

Labcorp Genetics (formerly Invitae), Labcorp
Classification: Uncertain significance. Last evaluated: 2025-04-26. Review status: criteria provided, single submitter. Criteria: Invitae Variant Classification Sherloc (09022015). Collection method: clinical testing. Allele origin: germline.
Comment: This sequence change replaces leucine, which is neutral and non-polar, with valine, which is neutral and non-polar, at codon 1769 of the ARID1A protein (p.Leu1769Val). This variant is not present in population databases (gnomAD no frequency). This variant has not been reported in the literature in individuals affected with ARID1A-related conditions. ClinVar contains an entry for this variant (Variation ID: 1336461). Invitae Evidence Modeling of protein sequence and biophysical properties (such as structural, functional, and spatial information, amino acid conservation, physicochemical variation, residue mobility, and thermodynamic stability) indicates that this missense variant is not expected to disrupt ARID1A protein function with a negative predictive value of 80%. In summary, the available evidence is currently insufficient to determine the role of this variant in disease. Therefore, it has been classified as a Variant of Uncertain Significance.

Genetic Services Laboratory, University of Chicago
Classification: Likely benign. Last evaluated: 2018-06-07. Review status: criteria provided, single submitter. Criteria: ACMG Guidelines, 2015. Collection method: clinical testing. Allele origin: germline. Affected: no.

NM_006015.6(ARID1A):c.5305C>G (p.Leu1769Val)

Gene: ARID1A (AT-rich interaction domain 1A; plus strand). Cytogenetic location: 1p36.11.
Variant type: single nucleotide variant.
Coding change: c.5305C>G on transcript NM_006015.6 (MANE Select); coding-DNA position 5305, C replaced by G.
Protein change: p.Leu1769Val; replaces leucine 1769 with valine.
Molecular consequence: missense variant.
Genome position (GRCh38, 1-based): chr1:26,779,203, C>G. VCF-style: chr1-26779203-C-G. GRCh37 (hg19) VCF-style: chr1-27105694-C-G.
Other names: c.4654C>G, p.Leu1552Val (NM_139135.4); short protein forms L1552V, L1769V.
Identifiers: ClinVar variation 1336461 (VCV001336461.5), dbSNP rs1557619767, ClinGen allele CA339184667.